The following is an entry in ClinVar:

NM_001042492.3(NF1):c.6820-6T>C

Gene: NF1 (neurofibromin 1; plus strand). Cytogenetic location: 17q11.2.
Variant type: single nucleotide variant.
Coding change: c.6820-6T>C on transcript NM_001042492.3 (MANE Select); 6 bases into the intron before coding-DNA position 6820, T replaced by C.
Molecular consequence: intron variant.
Genome position (GRCh38, 1-based): chr17:31,338,698, T>C. VCF-style: chr17-31338698-T-C. GRCh37 (hg19) VCF-style: chr17-29665716-T-C.
Other names: c.6757-6T>C (NM_000267.4).
Identifiers: ClinVar variation 1319468 (VCV001319468.8), dbSNP rs1597845896, ClinGen allele CA2573054397.

ClinVar aggregate classification (germline): Conflicting classifications of pathogenicity. Review status: criteria provided, conflicting classifications (1 of 4 stars). 4 submissions from 4 submitters: Uncertain significance (3); Likely benign (1). Last evaluated 2023-05-26.

Conditions:
Hereditary cancer-predisposing syndrome. Also called: Neoplastic Syndromes, Hereditary; Hereditary Cancer Syndrome; Tumor predisposition; Hereditary neoplastic syndrome. Identifiers: Orphanet 140162, MedGen C0027672, MeSH D009386, MONDO:0015356.
Neurofibromatosis, type 1 (NF1). Also called: NEUROFIBROMATOSIS, TYPE I, SOMATIC; Peripheral type neurofibromatosis; Neurofibromatosis, type I; VON RECKLINGHAUSEN DISEASE. Identifiers: Orphanet 636, MedGen C0027831, MONDO:0018975, OMIM 162200. Disease mechanism: loss of function.

Allele frequency attached by ClinVar (database versions not stated): gnomAD exomes below 0.00001.
gnomAD v4.1: 1 of 1,605,844 alleles (0.000062%); highest among the groups gnomAD compares: Non-Finnish European, 0.000085%; no homozygotes.

Submissions (4):

Labcorp Genetics (formerly Invitae), Labcorp
Classification: Likely benign for Neurofibromatosis, type 1. Last evaluated: 2023-05-26. Review status: criteria provided, single submitter. Criteria: Invitae Variant Classification Sherloc (09022015). Collection method: clinical testing. Allele origin: germline.

Genome-Nilou Lab
Classification: Uncertain significance for Neurofibromatosis, type 1. Last evaluated: 2022-03-15. Review status: criteria provided, single submitter. Criteria: ACMG Guidelines, 2015. Collection method: clinical testing. Allele origin: germline. Affected: no.

Institute for Clinical Genetics, University Hospital TU Dresden, University Hospital TU Dresden
Classification: Uncertain significance. Last evaluated: 2021-11-03. Review status: criteria provided, single submitter. Criteria: ACMG Guidelines, 2015. Collection method: clinical testing. Allele origin: germline.

Sema4
Classification: Uncertain significance for Hereditary cancer-predisposing syndrome. Last evaluated: 2021-08-07. Review status: criteria provided, single submitter. Criteria: Sema4 Curation Guidelines. Collection method: curation. Allele origin: germline.
Comment: The NF1 c.6757-6T>C variant has not been reported in the literature to our knowledge. It was not observed in the large and broad cohorts of the Genome Aggregation Database (PMID: 32461654). The variant has not been reported in ClinVar. In silico tools suggest that the variant does not have an impact on splicing, though these predictions have not been confirmed by functional studies. The evidence is insufficient to meet ACMG/AMP criteria for classifying the variant as benign or pathogenic. Thus, the clinical significance of this variant is currently uncertain.